The following is an entry in ClinVar:

NC_012920.1(MT-RNR1):m.1415G>A

Gene: MT-RNR1 (mitochondrially encoded 12S RNA; plus strand).
Variant type: single nucleotide variant.
Genome position: chrM-1415-G-A.
Identifiers: ClinVar variation 227549 (VCV000227549.4), dbSNP rs876657505, ClinGen allele CA10577183.

ClinVar aggregate classification (germline): Likely benign (1 of 4 stars; one submission).

Submission:

Laboratory for Molecular Medicine, Mass General Brigham Personalized Medicine
Classification: Likely benign. Last evaluated: 2015-05-26. Review status: criteria provided, single submitter. Criteria: LMM Criteria. Collection method: clinical testing. Allele origin: germline. Observed: 1 variant allele.
Comment: m.1415G>A in MTRNR1: This variant is not expected to have clinical significance because it has been identified in several human phylogeny studies at an overall frequency of 0.1% (37/29867 human mitochondrial DNA sequences) with haplogroup-s pecific frequencies ranging from 0.1% to 66% (b/).

Literature cited by the submitters: PubMed 20100600.